The following is an entry in ClinVar:

NM_002693.3(POLG):c.1251-5C>T

Gene: POLG (DNA polymerase gamma, catalytic subunit; minus strand). Cytogenetic location: 15q26.1.
Variant type: single nucleotide variant.
Coding change: c.1251-5C>T on transcript NM_002693.3 (MANE Select); 5 bases into the intron before coding-DNA position 1251, C replaced by T.
Molecular consequence: intron variant.
Genome position (GRCh38, 1-based): chr15:89,327,354, G>A on the plus strand (C>T on the coding strand, the complement: POLG is on the minus strand). VCF-style: chr15-89327354-G-A. GRCh37 (hg19) VCF-style: chr15-89870585-G-A.
Other names: c.1251-5C>T (NM_002693.2, NM_001126131.2).
Identifiers: ClinVar variation 1220071 (VCV001220071.11), dbSNP rs199621975, ClinGen allele CA7724891.

ClinVar aggregate classification (germline): Conflicting classifications of pathogenicity. Review status: criteria provided, conflicting classifications (1 of 4 stars). 4 submissions from 4 submitters: Uncertain significance (1); Likely benign (2). 1 of the submissions does not count toward it. Last evaluated 2024-11-26.

Conditions:
POLG-related disorder. Also called: POLG-Related Spectrum Disorders; POLG-related condition; POLG-Related Disorders. Identifiers: MedGen C4763519.
Progressive sclerosing poliodystrophy (MTDPS4A). Also called: ALPERS PROGRESSIVE INFANTILE POLIODYSTROPHY; Alpers-Huttenlocher Syndrome (AHS); NEURONAL DEGENERATION OF CHILDHOOD WITH LIVER DISEASE, PROGRESSIVE; Mitochondrial DNA depletion syndrome 4A (Alpers type); Mitochondrial DNA Depletion Syndrome 4A; Alpers Syndrome. Identifiers: Orphanet 726, MedGen C0205710, MONDO:0008758, OMIM 203700.

Allele frequency attached by ClinVar (database versions not stated): 1000 Genomes Project 30x 0.00016.
gnomAD v4.1: 35 of 1,612,536 alleles (0.0022%); highest among the groups gnomAD compares: South Asian, 0.036%; 1 homozygote.

Submissions (4):

Labcorp Genetics (formerly Invitae), Labcorp
Classification: Likely benign for Progressive sclerosing poliodystrophy. Last evaluated: 2024-11-26. Review status: criteria provided, single submitter. Criteria: Invitae Variant Classification Sherloc (09022015). Collection method: clinical testing. Allele origin: germline.

GeneDx
Classification: Likely benign. Last evaluated: 2021-02-23. Review status: criteria provided, single submitter. Criteria: GeneDx Variant Classification Process June 2021. Collection method: clinical testing. Allele origin: germline. Affected: yes.
Comment: In silico analysis supports that this variant does not alter splicing; Nucleotide substitution has no predicted effect on splicing and is not conserved across species

Revvity Omics, Revvity
Classification: Uncertain significance. Last evaluated: 2020-11-13. Review status: criteria provided, single submitter. Criteria: ACMG Guidelines, 2015. Collection method: clinical testing. Allele origin: germline.

PreventionGenetics, part of Exact Sciences
Classification: Likely benign for POLG-related condition. Last evaluated: 2020-12-09. Review status: no assertion criteria provided. Collection method: clinical testing. Allele origin: germline. Not counted in ClinVar's aggregate classification.
Comment: This variant is classified as likely benign based on ACMG/AMP sequence variant interpretation guidelines (Richards et al. 2015 PMID: 25741868, with internal and published modifications).